The following is an entry in ClinVar:

ClinVar aggregate classification (germline): Uncertain significance (1 of 4 stars; one submission).

Allele frequency attached by ClinVar (database versions not stated): gnomAD exomes below 0.00001.
gnomAD v4.1: 1 of 1,610,172 alleles (0.000062%); highest among the groups gnomAD compares: Non-Finnish European, 0.000085%; no homozygotes.

Submission:

Labcorp Genetics (formerly Invitae), Labcorp
Classification: Uncertain significance. Last evaluated: 2021-06-02. Review status: criteria provided, single submitter. Criteria: Invitae Variant Classification Sherloc (09022015). Collection method: clinical testing. Allele origin: germline.
Comment: This sequence change replaces serine with proline at codon 607 of the EXOC7 protein (p.Ser607Pro). The serine residue is moderately conserved and there is a moderate physicochemical difference between serine and proline. This variant is not present in population databases (ExAC no frequency). This variant has not been reported in the literature in individuals with EXOC7-related conditions. Algorithms developed to predict the effect of missense changes on protein structure and function (SIFT, PolyPhen-2, Align-GVGD) all suggest that this variant is likely to be tolerated, but these predictions have not been confirmed by published functional studies and their clinical significance is uncertain. In summary, the available evidence is currently insufficient to determine the role of this variant in disease. Therefore, it has been classified as a Variant of Uncertain Significance.

NM_001013839.4(EXOC7):c.1666T>C (p.Ser556Pro)

Gene: EXOC7 (exocyst complex component 7; minus strand). Cytogenetic location: 17q25.1.
Variant type: single nucleotide variant.
Coding change: c.1666T>C on transcript NM_001013839.4 (MANE Select); coding-DNA position 1666, T replaced by C.
Protein change: p.Ser556Pro; replaces serine 556 with proline.
Molecular consequence: missense variant.
Genome position (GRCh38, 1-based): chr17:76,085,360, A>G on the plus strand (T>C on the coding strand, the complement: EXOC7 is on the minus strand). VCF-style: chr17-76085360-A-G. GRCh37 (hg19) VCF-style: chr17-74081441-A-G.
Other names: c.1819T>C, p.Ser607Pro (NM_001145297.4); c.1642T>C, p.Ser548Pro (NM_001145298.4); c.1735T>C, p.Ser579Pro (NM_001145299.4); c.1582T>C, p.Ser528Pro (NM_001282313.2); c.1705T>C, p.Ser569Pro (NM_001375974.1); c.1612T>C, p.Ser538Pro (NM_001375975.1); c.1774T>C, p.Ser592Pro (NM_001375976.1); c.1573T>C, p.Ser525Pro (NM_015219.5); short protein forms S556P, S528P, S538P, S592P, S525P, S569P, S607P, S548P.
Identifiers: ClinVar variation 1494670 (VCV001494670.6), dbSNP rs2144596047, ClinGen allele CA401119530.